The following is an entry in ClinVar:

ClinVar aggregate classification (germline): Uncertain significance (1 of 4 stars; one submission).

Conditions:
Stickler syndrome, type 5 (STL5). Also called: COL9A2-Related Stickler Syndrome. Identifiers: Orphanet 250984, Orphanet 828, MedGen C3280342, MONDO:0013666, OMIM 614284.
Epiphyseal dysplasia, multiple, 2 (EDM2). Also called: COL9A2-Related Multiple Epiphyseal Dysplasia. Identifiers: MedGen C1838429, MONDO:0010844, OMIM 600204.

gnomAD v4.1: 2 of 1,613,902 alleles (0.00012%); highest among the groups gnomAD compares: Non-Finnish European, 0.00017%; no homozygotes.

Submission:

Juno Genomics, Hangzhou Juno Genomics, Inc
Classification: Uncertain significance for Stickler syndrome, type 5; Epiphyseal dysplasia, multiple, 2. Review status: criteria provided, single submitter. Criteria: ACMG Guidelines, 2015. Collection method: clinical testing. Allele origin: germline.
Comment: Absent from controls (or at extremely low frequency if recessive) in Genome Aggregation Database.;Multiple lines of computational evidence support a deleterious effect on the gene or gene product.

NM_001852.4(COL9A2):c.685-4A>G

Gene: COL9A2 (collagen type IX alpha 2 chain; minus strand). Cytogenetic location: 1p34.2.
Variant type: single nucleotide variant.
Coding change: c.685-4A>G on transcript NM_001852.4 (MANE Select); 4 bases into the intron before coding-DNA position 685, A replaced by G.
Molecular consequence: intron variant.
Genome position (GRCh38, 1-based): chr1:40,310,321, T>C on the plus strand (A>G on the coding strand, the complement: COL9A2 is on the minus strand). VCF-style: chr1-40310321-T-C. GRCh37 (hg19) VCF-style: chr1-40775993-T-C.
Identifiers: ClinVar variation 5006567 (VCV005006567.2).